The following is an entry in ClinVar:

NM_025074.7(FRAS1):c.3963G>C (p.Lys1321Asn)

Gene: FRAS1 (Fraser extracellular matrix complex subunit 1; plus strand). Cytogenetic location: 4q21.21.
Variant type: single nucleotide variant.
Coding change: c.3963G>C on transcript NM_025074.7 (MANE Select); coding-DNA position 3963, G replaced by C.
Protein change: p.Lys1321Asn; replaces lysine 1321 with asparagine.
Molecular consequence: missense variant.
Genome position (GRCh38, 1-based): chr4:78,387,689, G>C. VCF-style: chr4-78387689-G-C. GRCh37 (hg19) VCF-style: chr4-79308843-G-C.
Other names: c.3963G>C, p.Lys1321Asn (NM_001166133.2); short protein forms K1321N.
Identifiers: ClinVar variation 1303556 (VCV001303556.11), dbSNP rs370629874, ClinGen allele CA2977051.

ClinVar aggregate classification (germline): Uncertain significance. Review status: criteria provided, multiple submitters, no conflicts (2 of 4 stars). 5 submissions from 5 submitters: Uncertain significance (5). Last evaluated 2024-11-05.

Conditions:
Fraser syndrome 1 (FRASRS1). Also called: CRYPTOPHTHALMOS WITH OTHER MALFORMATIONS. Identifiers: Orphanet 2052, MedGen C4551480, MONDO:0054737, OMIM 219000.

Allele frequency attached by ClinVar (database versions not stated): gnomAD exomes 0.00003 and 0.00004; ExAC 0.00005; ESP Exome Variant Server 0.00008; TOPMed 0.00014; gnomAD 0.00015 and 0.00018.
gnomAD v4.1: 76 of 1,524,032 alleles (0.005%); highest among the groups gnomAD compares: Middle Eastern, 0.088%; no homozygotes.

Submissions (5):

Labcorp Genetics (formerly Invitae), Labcorp
Classification: Uncertain significance. Last evaluated: 2024-11-05. Review status: criteria provided, single submitter. Criteria: Invitae Variant Classification Sherloc (09022015). Collection method: clinical testing. Allele origin: germline.
Comment: This sequence change replaces lysine, which is basic and polar, with asparagine, which is neutral and polar, at codon 1321 of the FRAS1 protein (p.Lys1321Asn). This variant is present in population databases (rs370629874, gnomAD 0.02%). This variant has not been reported in the literature in individuals affected with FRAS1-related conditions. ClinVar contains an entry for this variant (Variation ID: 1303556). Invitae Evidence Modeling of protein sequence and biophysical properties (such as structural, functional, and spatial information, amino acid conservation, physicochemical variation, residue mobility, and thermodynamic stability) indicates that this missense variant is not expected to disrupt FRAS1 protein function with a negative predictive value of 80%. In summary, the available evidence is currently insufficient to determine the role of this variant in disease. Therefore, it has been classified as a Variant of Uncertain Significance.

Blueprint Genetics
Classification: Uncertain significance. Last evaluated: 2023-05-04. Review status: criteria provided, single submitter. Criteria: ACMG Guidelines, 2015. Collection method: clinical testing. Allele origin: germline.

Women's Health and Genetics/Laboratory Corporation of America, LabCorp
Classification: Uncertain significance. Last evaluated: 2022-03-21. Review status: criteria provided, single submitter. Criteria: LabCorp Variant Classification Summary - May 2015. Collection method: clinical testing. Allele origin: germline.
Comment: Variant summary: FRAS1 c.3963G>C (p.Lys1321Asn) results in a non-conservative amino acid change in the encoded protein sequence. Three of five in-silico tools predict a benign effect of the variant on protein function. The variant allele was found at a frequency of 4.1e-05 in 194936 control chromosomes. The available data on variant occurrences in the general population are insufficient to allow any conclusion about variant significance. c.3963G>C has been reported in an individual with Rapid-onset Obesity with Hypothalamic Dysfunction, Hypoventilation, and Autonomic Dysregulation (ROHHAD), without strong evidence for causality (Barclay_2015). This report does not provide unequivocal conclusions about association of the variant with Cryptophthalmos Syndrome. To our knowledge, no experimental evidence demonstrating an impact on protein function has been reported. One clinical diagnostic laboratory has submitted clinical-significance assessments for this variant to ClinVar after 2014 without evidence for independent evaluation. One laboratory classified the variant as uncertain significance. Based on the evidence outlined above, the variant was classified as uncertain significance.

Fulgent Genetics
Classification: Uncertain significance for Fraser syndrome 1. Last evaluated: 2022-01-10. Review status: criteria provided, single submitter. Criteria: ACMG Guidelines, 2015. Collection method: clinical testing. Allele origin: unknown.

GeneDx
Classification: Uncertain significance. Last evaluated: 2020-02-19. Review status: criteria provided, single submitter. Criteria: GeneDx Variant Classification Process June 2021. Collection method: clinical testing. Allele origin: germline. Affected: yes.
Comment: Reported previously in the heterozygous state in an individual with rapid-onset obesity with hypothalamic dysfunction, hypoventilation, and autonomic dysregulation (ROHHAD); however, this individual also harbored variants in five other genes and none of the findings were considered diagnostic (Barclay et al., 2015); In silico analysis, which includes protein predictors and evolutionary conservation, supports that this variant does not alter protein structure/function; This variant is associated with the following publications: (PMID: 26302956)

Literature cited by the submitters: PubMed 26302956 (cited by Women's Health and Genetics/Laboratory Corporation of America, LabCorp).